The following is an entry in ClinVar:

ClinVar aggregate classification (germline): Likely benign. Review status: criteria provided, multiple submitters, no conflicts (2 of 4 stars). 7 submissions from 7 submitters: Likely benign (6). 1 of the submissions does not count toward it. Last evaluated 2026-02-02.

Conditions:
Developmental and epileptic encephalopathy, 12 (DEE12). Identifiers: MedGen C3150988, MONDO:0013389, OMIM 613722.
PNKP-related disorder. Also called: PNKP-related condition; PNKP-related disorders.
Inborn genetic diseases. Identifiers: MedGen C0950123, MeSH D030342.

Allele frequency attached by ClinVar (database versions not stated): gnomAD exomes 0.00015; gnomAD 0.00018 and 0.00019; TOPMed 0.00018; ExAC 0.00022.
gnomAD v4.1: 322 of 1,566,638 alleles (0.021%); highest among the groups gnomAD compares: Admixed American, 0.04%; no homozygotes.

Submissions (7):

Labcorp Genetics (formerly Invitae), Labcorp
Classification: Likely benign for Developmental and epileptic encephalopathy, 12. Last evaluated: 2026-02-02. Review status: criteria provided, single submitter. Criteria: Invitae Variant Classification Sherloc (09022015). Collection method: clinical testing. Allele origin: germline.

CeGaT Center for Human Genetics Tuebingen
Classification: Likely benign. Last evaluated: 2024-10-01. Review status: criteria provided, single submitter. Criteria: CeGaT Center For Human Genetics Tuebingen Variant Classification Criteria Version 2. Collection method: clinical testing. Allele origin: germline. Affected: yes. Observed: 3 variant alleles.
Comment: PNKP: BP4, BP7

Women's Health and Genetics/Laboratory Corporation of America, LabCorp
Classification: Likely benign. Last evaluated: 2024-08-06. Review status: criteria provided, single submitter. Criteria: LabCorp Variant Classification Summary - May 2015. Collection method: clinical testing. Allele origin: germline.
Comment: Variant summary: PNKP c.1281C>T alters a conserved nucleotide resulting in a synonymous change. Consensus agreement among computation tools predict no significant impact on normal splicing. However, these predictions have yet to be confirmed by functional studies. The variant allele was found at a frequency of 0.00015 in 176018 control chromosomes. This frequency is not significantly higher than estimated for a pathogenic variant in PNKP causing PNKP-Related Disorders, allowing no conclusion about variant significance. To our knowledge, no occurrence of c.1281C>T in individuals affected with PNKP-Related Disorders and no experimental evidence demonstrating its impact on protein function have been reported. ClinVar contains an entry for this variant (Variation ID: 378399). Based on the evidence outlined above, the variant was classified as likely benign.

Blueprint Genetics
Classification: Likely benign. Last evaluated: 2022-09-20. Review status: criteria provided, single submitter. Criteria: ACMG Guidelines, 2015. Collection method: clinical testing. Allele origin: germline.

GeneDx
Classification: Likely benign. Last evaluated: 2021-04-19. Review status: criteria provided, single submitter. Criteria: GeneDx Variant Classification Process June 2021. Collection method: clinical testing. Allele origin: germline. Affected: yes.

Ambry Genetics
Classification: Likely benign for Inborn genetic diseases. Last evaluated: 2016-07-08. Review status: criteria provided, single submitter. Criteria: Ambry Variant Classification Scheme 2023. Collection method: clinical testing. Allele origin: germline.

PreventionGenetics, part of Exact Sciences
Classification: Likely benign for PNKP-related condition. Last evaluated: 2019-05-09. Review status: no assertion criteria provided. Collection method: clinical testing. Allele origin: germline. Not counted in ClinVar's aggregate classification.
Comment: This variant is classified as likely benign based on ACMG/AMP sequence variant interpretation guidelines (Richards et al. 2015 PMID: 25741868, with internal and published modifications).

NM_007254.4(PNKP):c.1281C>T (p.Asp427=)

Gene: PNKP (polynucleotide kinase 3'-phosphatase; minus strand). Cytogenetic location: 19q13.33.
Variant type: single nucleotide variant.
Coding change: c.1281C>T on transcript NM_007254.4 (MANE Select); coding-DNA position 1281, C replaced by T.
Protein change: p.Asp427=; no amino-acid change (aspartic acid 427 retained).
Molecular consequence: synonymous variant.
Genome position (GRCh38, 1-based): chr19:49,861,789, G>A on the plus strand (C>T on the coding strand, the complement: PNKP is on the minus strand). VCF-style: chr19-49861789-G-A. GRCh37 (hg19) VCF-style: chr19-50365046-G-A.
Identifiers: ClinVar variation 378399 (VCV000378399.52), dbSNP rs770775129, ClinGen allele CA9586495.